The following is an entry in ClinVar:

NM_003571.4(BFSP2):c.1143G>C (p.Ala381=)

Genes: BFSP2 (beaded filament structural protein 2; plus strand), BFSP2-AS1 (BFSP2 antisense RNA 1; minus strand). Cytogenetic location: 3q22.1.
Variant type: single nucleotide variant.
Coding change: c.1143G>C on transcript NM_003571.4 (MANE Select); coding-DNA position 1143, G replaced by C.
Protein change: p.Ala381=; no amino-acid change (alanine 381 retained).
Molecular consequence: synonymous variant.
Genome position (GRCh38, 1-based): chr3:133,472,464, G>C. VCF-style: chr3-133472464-G-C. GRCh37 (hg19) VCF-style: chr3-133191308-G-C.
Identifiers: ClinVar variation 5001338 (VCV005001338.1).
Genomic context (GRCh38, chr3:133,472,464, plus strand): 5'-GAACCTGGGCGCTGTGGTCGGCCGGCTGGAGGCGGAGCTCAGGGAAATCCGAGCGGAGGC[G>C]GAGCAGCAGCAACAGGAGCGCGCGCATCTGCTGGCCCGCAAGTGCCAGCTGCAGAAGGAC-3'
Protein context (NP_003562.1, residues 371-391): EAELREIRAE[Ala381=]EQQQQERAHL

ClinVar aggregate classification (germline): Likely benign (1 of 4 stars; one submission).

Conditions:
BFSP2-related disorder. Also called: BFSP2-related condition.

gnomAD v4.1: 12 of 1,613,890 alleles (0.00074%); highest among the groups gnomAD compares: African/African-American, 0.013%; no homozygotes.

Submission:

PreventionGenetics, part of Exact Sciences
Classification: Likely benign for BFSP2-related condition. Last evaluated: 2026-06-30. Review status: criteria provided, single submitter. Criteria: ACMG Guidelines, 2015. Collection method: clinical testing. Allele origin: germline.
Comment: This variant is classified as likely benign based on ACMG/AMP sequence variant interpretation guidelines (Richards et al. 2015 PMID: 25741868, with internal and published modifications).